The following is an entry in ClinVar:

ClinVar aggregate classification (germline): Uncertain significance (1 of 4 stars; one submission).

Submission:

Labcorp Genetics (formerly Invitae), Labcorp
Classification: Uncertain significance. Last evaluated: 2022-09-27. Review status: criteria provided, single submitter. Criteria: Invitae Variant Classification Sherloc (09022015). Collection method: clinical testing. Allele origin: unknown.
Comment: In summary, the available evidence is currently insufficient to determine the role of this variant in disease. Therefore, it has been classified as a Variant of Uncertain Significance. Experimental studies and prediction algorithms are not available or were not evaluated, and the functional significance of this variant is currently unknown. This variant has not been reported in the literature in individuals affected with ACBD5-related conditions. A copy number gain of the genomic region encompassing the full coding sequence of the ACBD5 gene has been identified. The boundaries of this event are unknown as they extend beyond the assayed region for this gene and therefore may encompass additional genes. As the precise location of this event is unknown, it may be in tandem or it may be located elsewhere in the genome.

NC_000010.10:g.(?_27294519)_(28250664_?)dup

Genes: ACBD5 (acyl-CoA binding domain containing 5; minus strand), ANKRD26 (ankyrin repeat domain containing 26; minus strand), MASTL (microtubule associated serine/threonine kinase like; plus strand), MKX (mohawk homeobox; minus strand), ODAD2 (outer dynein arm docking complex subunit 2; minus strand) and 3 more. Cytogenetic location: 10p12.1.
Variant type: Duplication.
Identifiers: ClinVar variation 3245041 (VCV003245041.1).